The following is an entry in ClinVar:

ClinVar aggregate classification (germline): Uncertain significance (1 of 4 stars; one submission).

Conditions:
Charcot-Marie-Tooth disease type 4. Also called: Charcot-Marie-Tooth disease, type IV; Charcot-Marie-Tooth, Type 4. Identifiers: Orphanet 64749, MedGen C4082197, MONDO:0018995.

gnomAD v4.1: 1 of 1,613,818 alleles (0.000062%); highest among the groups gnomAD compares: African/African-American, 0.0013%; no homozygotes.

Submission:

Labcorp Genetics (formerly Invitae), Labcorp
Classification: Uncertain significance for Charcot-Marie-Tooth disease type 4. Last evaluated: 2022-06-12. Review status: criteria provided, single submitter. Criteria: Invitae Variant Classification Sherloc (09022015). Collection method: clinical testing. Allele origin: germline.
Comment: In summary, the available evidence is currently insufficient to determine the role of this variant in disease. Therefore, it has been classified as a Variant of Uncertain Significance. Algorithms developed to predict the effect of missense changes on protein structure and function are either unavailable or do not agree on the potential impact of this missense change (SIFT: "Deleterious"; PolyPhen-2: "Probably Damaging"; Align-GVGD: "Class C0"). This variant has not been reported in the literature in individuals affected with SBF2-related conditions. This variant is present in population databases (no rsID available, gnomAD 0.01%). This sequence change replaces glycine, which is neutral and non-polar, with alanine, which is neutral and non-polar, at codon 831 of the SBF2 protein (p.Gly831Ala).

NM_030962.4(SBF2):c.2492G>C (p.Gly831Ala)

Genes: SBF2 (SET binding factor 2; minus strand), LOC101928008 (uncharacterized LOC101928008; plus strand). Cytogenetic location: 11p15.4.
Variant type: single nucleotide variant.
Coding change: c.2492G>C on transcript NM_030962.4 (MANE Select); coding-DNA position 2492, G replaced by C.
Protein change: p.Gly831Ala; replaces glycine 831 with alanine.
Molecular consequence: missense variant.
Genome position (GRCh38, 1-based): chr11:9,853,584, C>G on the plus strand (G>C on the coding strand, the complement: SBF2 is on the minus strand). VCF-style: chr11-9853584-C-G. GRCh37 (hg19) VCF-style: chr11-9875131-C-G.
Other names: c.2492G>C, p.Gly831Ala (NM_001386339.1); c.2363G>C, p.Gly788Ala (NM_001386342.1); short protein forms G788A, G831A.
Identifiers: ClinVar variation 2051545 (VCV002051545.2), dbSNP rs770201190, ClinGen allele CA379637541.
Genomic context (GRCh38, chr11:9,853,584, plus strand): 5'-TCTGCAGAGTGATTACCTGGTATCATGCAATGAAGGCTCTTGATGTGATCCTGAGTAACT[C>G]CACTCTCTGTACAAACTTTGTCAATAAATCGGGTAATGAACCGCACAACAGAATTGGCAA-3'
Protein context (NP_112224.1, residues 821-841): RFIDKVCTES[Gly831Ala]VTQDHIKSLH